The following is an entry in ClinVar:

NM_015215.4(CAMTA1):c.270C>T (p.His90=)

Gene: CAMTA1 (calmodulin binding transcription activator 1; plus strand). Cytogenetic location: 1p36.31.
Variant type: single nucleotide variant.
Coding change: c.270C>T on transcript NM_015215.4 (MANE Select); coding-DNA position 270, C replaced by T.
Protein change: p.His90=; no amino-acid change (histidine 90 retained).
Molecular consequence: synonymous variant.
Genome position (GRCh38, 1-based): chr1:7,091,339, C>T. VCF-style: chr1-7091339-C-T. GRCh37 (hg19) VCF-style: chr1-7151399-C-T.
Other names: c.270C>T, p.His90= (NM_001410738.1, NM_001349609.2, NM_001349610.2 and 1 more transcripts); c.180C>T, p.His60= (NM_001349608.2, NM_001349612.2).
Identifiers: ClinVar variation 2723964 (VCV002723964.12), dbSNP rs146654528, ClinGen allele CA566101.

ClinVar aggregate classification (germline): Benign/Likely benign. Review status: criteria provided, multiple submitters, no conflicts (2 of 4 stars). 3 submissions from 3 submitters: Benign (1); Likely benign (2). Last evaluated 2025-08-01.

Allele frequency attached by ClinVar (database versions not stated): gnomAD exomes 0.00006; ExAC 0.00022; gnomAD 0.00051; TOPMed 0.00052; ESP Exome Variant Server 0.00077; 1000 Genomes Project 0.00140; 1000 Genomes Project 30x 0.00141.
gnomAD v4.1: 170 of 1,612,832 alleles (0.011%); highest among the groups gnomAD compares: African/African-American, 0.18%; no homozygotes.

Submissions (3):

CeGaT Center for Human Genetics Tuebingen
Classification: Likely benign. Last evaluated: 2025-08-01. Review status: criteria provided, single submitter. Criteria: CeGaT Center For Human Genetics Tuebingen Variant Classification Criteria Version 2. Collection method: clinical testing. Allele origin: germline. Affected: yes. Observed: 1 variant allele.
Comment: CAMTA1: BP4, BP7

Blueprint Genetics
Classification: Likely benign. Last evaluated: 2024-03-25. Review status: criteria provided, single submitter. Criteria: ACMG Guidelines, 2015. Collection method: clinical testing. Allele origin: germline.

Labcorp Genetics (formerly Invitae), Labcorp
Classification: Benign. Last evaluated: 2023-08-21. Review status: criteria provided, single submitter. Criteria: Invitae Variant Classification Sherloc (09022015). Collection method: clinical testing. Allele origin: germline.